The following is an entry in ClinVar:

NM_000875.5(IGF1R):c.3865G>A (p.Glu1289Lys)

Gene: IGF1R (insulin like growth factor 1 receptor; plus strand). Cytogenetic location: 15q26.3.
Variant type: single nucleotide variant.
Coding change: c.3865G>A on transcript NM_000875.5 (MANE Select); coding-DNA position 3865, G replaced by A.
Protein change: p.Glu1289Lys; replaces glutamic acid 1289 with lysine.
Molecular consequence: missense variant.
Genome position (GRCh38, 1-based): chr15:98,957,203, G>A. VCF-style: chr15-98957203-G-A. GRCh37 (hg19) VCF-style: chr15-99500432-G-A.
Other names: c.3862G>A, p.Glu1288Lys (NM_001291858.2); short protein forms E1288K, E1289K.
Identifiers: ClinVar variation 2959436 (VCV002959436.3), dbSNP rs1356080771, ClinGen allele CA393668735.

ClinVar aggregate classification (germline): Uncertain significance (1 of 4 stars; one submission).

Allele frequency attached by ClinVar (database versions not stated): gnomAD 0.00001; gnomAD exomes 0.00001; TOPMed 0.00002.
gnomAD v4.1: 13 of 1,614,094 alleles (0.00081%); highest among the groups gnomAD compares: Middle Eastern, 0.016%; no homozygotes.

Submission:

Labcorp Genetics (formerly Invitae), Labcorp
Classification: Uncertain significance. Last evaluated: 2023-10-05. Review status: criteria provided, single submitter. Criteria: Invitae Variant Classification Sherloc (09022015). Collection method: clinical testing. Allele origin: germline.
Comment: This sequence change replaces glutamic acid, which is acidic and polar, with lysine, which is basic and polar, at codon 1289 of the IGF1R protein (p.Glu1289Lys). This variant is present in population databases (no rsID available, gnomAD 0.003%). This variant has not been reported in the literature in individuals affected with IGF1R-related conditions. Advanced modeling of protein sequence and biophysical properties (such as structural, functional, and spatial information, amino acid conservation, physicochemical variation, residue mobility, and thermodynamic stability) performed at Invitae indicates that this missense variant is not expected to disrupt IGF1R protein function. In summary, the available evidence is currently insufficient to determine the role of this variant in disease. Therefore, it has been classified as a Variant of Uncertain Significance.